The following is an entry in ClinVar:

ClinVar aggregate classification (germline): Conflicting classifications of pathogenicity. Review status: criteria provided, conflicting classifications (1 of 4 stars). 6 submissions from 6 submitters: Uncertain significance (4); Likely benign (2). Last evaluated 2026-07-01.

Conditions:
CCDC40-related disorder. Also called: CCDC40-related condition.
Primary ciliary dyskinesia. Also called: Ciliary dyskinesia. Identifiers: Orphanet 244, MedGen C0008780, MONDO:0016575, HP:0012265.
Primary ciliary dyskinesia 15. Also called: CILIARY DYSKINESIA, PRIMARY, 15, WITH OR WITHOUT SITUS INVERSUS. Identifiers: Orphanet 244, MedGen C3151137, MONDO:0013435, OMIM 613808.

Allele frequency attached by ClinVar (database versions not stated): gnomAD exomes 0.00011; ExAC 0.00014; 1000 Genomes Project 30x 0.00016; gnomAD 0.00019 and 0.00020; 1000 Genomes Project 0.00020; TOPMed 0.00023; ESP Exome Variant Server 0.00040.
gnomAD v4.1: 149 of 1,613,922 alleles (0.0092%); highest among the groups gnomAD compares: Middle Eastern, 0.049%; 2 homozygotes.

Submissions (6):

CeGaT Center for Human Genetics Tuebingen
Classification: Likely benign. Last evaluated: 2026-07-01. Review status: criteria provided, single submitter. Criteria: CeGaT Center For Human Genetics Tuebingen Variant Classification Criteria Version 2. Collection method: clinical testing. Allele origin: germline. Affected: yes. Observed: 1 variant allele.
Comment: CCDC40: BP4

Labcorp Genetics (formerly Invitae), Labcorp
Classification: Uncertain significance for Primary ciliary dyskinesia. Last evaluated: 2026-01-05. Review status: criteria provided, single submitter. Criteria: Invitae Variant Classification Sherloc (09022015). Collection method: clinical testing. Allele origin: germline.
Comment: This sequence change replaces arginine, which is basic and polar, with glutamine, which is neutral and polar, at codon 1059 of the CCDC40 protein (p.Arg1059Gln). This variant is present in population databases (rs200902434, gnomAD 0.02%), including at least one homozygous and/or hemizygous individual. This variant has not been reported in the literature in individuals affected with CCDC40-related conditions. ClinVar contains an entry for this variant (Variation ID: 525411). Invitae Evidence Modeling of protein sequence and biophysical properties (such as structural, functional, and spatial information, amino acid conservation, physicochemical variation, residue mobility, and thermodynamic stability) indicates that this missense variant is not expected to disrupt CCDC40 protein function with a negative predictive value of 80%. In summary, the available evidence is currently insufficient to determine the role of this variant in disease. Therefore, it has been classified as a Variant of Uncertain Significance.

PreventionGenetics, part of Exact Sciences
Classification: Uncertain significance for CCDC40-related condition. Last evaluated: 2024-12-10. Review status: criteria provided, single submitter. Criteria: ACMG Guidelines, 2015. Collection method: clinical testing. Allele origin: germline.
Comment: The CCDC40 c.3176G>A variant is predicted to result in the amino acid substitution p.Arg1059Gln. To our knowledge, this variant has not been reported in the literature. This variant is reported in 0.023% of alleles in individuals of Latino descent in gnomAD. At this time, the clinical significance of this variant is uncertain due to the absence of conclusive functional and genetic evidence.

Blueprint Genetics
Classification: Likely benign. Last evaluated: 2024-07-11. Review status: criteria provided, single submitter. Criteria: ACMG Guidelines, 2015. Collection method: clinical testing. Allele origin: germline.

Ambry Genetics
Classification: Uncertain significance for Primary ciliary dyskinesia. Last evaluated: 2022-11-07. Review status: criteria provided, single submitter. Criteria: Ambry Variant Classification Scheme 2023. Collection method: clinical testing. Allele origin: germline.

Fulgent Genetics
Classification: Uncertain significance for Primary ciliary dyskinesia 15. Last evaluated: 2021-07-21. Review status: criteria provided, single submitter. Criteria: ACMG Guidelines, 2015. Collection method: clinical testing. Allele origin: unknown.

NM_017950.4(CCDC40):c.3176G>A (p.Arg1059Gln)

Gene: CCDC40 (coiled-coil domain 40 molecular ruler complex subunit; plus strand). Cytogenetic location: 17q25.3.
Variant type: single nucleotide variant.
Coding change: c.3176G>A on transcript NM_017950.4 (MANE Select); coding-DNA position 3176, G replaced by A.
Protein change: p.Arg1059Gln; replaces arginine 1059 with glutamine.
Molecular consequence: missense variant.
Genome position (GRCh38, 1-based): chr17:80,097,399, G>A. VCF-style: chr17-80097399-G-A. GRCh37 (hg19) VCF-style: chr17-78071198-G-A.
Other names: short protein forms R1059Q.
Identifiers: ClinVar variation 525411 (VCV000525411.15), dbSNP rs200902434, ClinGen allele CA8814640.